The following is an entry in ClinVar:

ClinVar aggregate classification (germline): Pathogenic (1 of 4 stars; one submission).

Conditions:
Lafora disease. Also called: Epilepsy progressive myoclonic 2; Progressive Myoclonus Epilepsy, Lafora Type. Identifiers: Orphanet 501, MedGen C0751783, MONDO:0009697.

Submission:

Labcorp Genetics (formerly Invitae), Labcorp
Classification: Pathogenic for Lafora disease. Last evaluated: 2024-04-08. Review status: criteria provided, single submitter. Criteria: Invitae Variant Classification Sherloc (09022015). Collection method: clinical testing. Allele origin: germline.
Comment: This sequence change creates a premature translational stop signal (p.Val289*) in the NHLRC1 gene. While this is not anticipated to result in nonsense mediated decay, it is expected to disrupt the last 107 amino acid(s) of the NHLRC1 protein. This variant is not present in population databases (gnomAD no frequency). This variant has not been reported in the literature in individuals affected with NHLRC1-related conditions. ClinVar contains an entry for this variant (Variation ID: 1452637). This variant disrupts a region of the NHLRC1 protein in which other variant(s) (p.Val367Trpfs*21) have been determined to be pathogenic (PMID: 12958597). This suggests that this is a clinically significant region of the protein, and that variants that disrupt it are likely to be disease-causing. For these reasons, this variant has been classified as Pathogenic.

Literature cited by the submitters: PubMed 12958597.

NM_198586.3(NHLRC1):c.865_880del (p.Gly288_Val289insTer)

Gene: NHLRC1 (NHL repeat containing E3 ubiquitin protein ligase 1; minus strand). Cytogenetic location: 6p22.3.
Variant type: Deletion.
Coding change: c.865_880del on transcript NM_198586.3 (MANE Select); coding-DNA positions 865 to 880, 16 bases deleted (GTTTGCAGCACCAGGG).
Protein change: p.Gly288_Val289insTer.
Molecular consequence: nonsense.
Genome position (GRCh38, 1-based): chr6:18,121,727-18,121,742, CCCTGGTGCTGCAAAC deleted on the plus strand (GTTTGCAGCACCAGGG on the coding strand, the reverse complement: NHLRC1 is on the minus strand); deleting any 16 consecutive bases within chr6:18,121,727-18,121,745 gives the same sequence; the c. name uses the placement nearest the transcript's 3' end. VCF-style (leftmost placement, unchanged base first): chr6-18121726-ACCCTGGTGCTGCAAAC-A. GRCh37 (hg19) VCF-style: chr6-18121957-ACCCTGGTGCTGCAAAC-A.
Identifiers: ClinVar variation 1452637 (VCV001452637.6), dbSNP rs1193841505, ClinGen allele CA822705658.